The following is an entry in ClinVar:

ClinVar aggregate classification (germline): risk factor (0 of 4 stars; one submission).

Conditions:
Obesity. Also called: Obesity disorder. Identifiers: Orphanet 71529, MedGen C0028754, MeSH D009765, MONDO:0011122, HP:0001513.

Allele frequency attached by ClinVar (database versions not stated): TOPMed 0.40024; 1000 Genomes Project 0.40535; 1000 Genomes Project 30x 0.41099.
gnomAD v4.1: 60,117 of 151,824 alleles (40%); highest among the groups gnomAD compares: African/African-American, 58%; 13,023 homozygotes.

Submission:

Department of Endocrinology, The Second Hospital of Jilin University
Classification: risk factor for Obesity. Last evaluated: 2019-12-26. Review status: no assertion criteria provided. Collection method: clinical testing. Allele origin: unknown. Inheritance: Genetic anticipation.
Comment: We found that loci CDKAL1 (rs7754840) may be associated with obesity-related indicators.

NM_017774.3(CDKAL1):c.371+11642G>C

Gene: CDKAL1 (CDKAL1 threonylcarbamoyladenosine tRNA methylthiotransferase; plus strand). Cytogenetic location: 6p22.3.
Variant type: single nucleotide variant.
Coding change: c.371+11642G>C on transcript NM_017774.3 (MANE Select); 11642 bases into the intron after coding-DNA position 371, G replaced by C.
Molecular consequence: intron variant.
Genome position (GRCh38, 1-based): chr6:20,661,019, G>C. VCF-style: chr6-20661019-G-C. GRCh37 (hg19) VCF-style: chr6-20661250-G-C.
Identifiers: ClinVar variation 812171 (VCV000812171.3), dbSNP rs7754840, ClinGen allele CA15442321.